The following is an entry in ClinVar:

ClinVar aggregate classification (germline): Uncertain significance (1 of 4 stars; one submission).

Submission:

GeneDx
Classification: Uncertain significance. Last evaluated: 2020-11-24. Review status: criteria provided, single submitter. Criteria: GeneDx Variant Classification Process June 2021. Collection method: clinical testing. Allele origin: germline. Affected: yes.
Comment: Nonsense variant predicted to result in protein truncation or nonsense mediated decay in a gene for which loss-of-function is not a known mechanism of disease; Not observed in large population cohorts (Lek et al., 2016); Has not been previously published as pathogenic or benign to our knowledge

NM_001394062.1(MACF1):c.15385C>T (p.Arg5129Ter)

Gene: MACF1 (microtubule actin crosslinking factor 1; plus strand). Cytogenetic location: 1p34.3.
Variant type: single nucleotide variant.
Coding change: c.15385C>T on transcript NM_001394062.1 (MANE Select); coding-DNA position 15385, C replaced by T.
Protein change: p.Arg5129Ter; replaces arginine 5129 with a stop codon.
Molecular consequence: nonsense.
Genome position (GRCh38, 1-based): chr1:39,388,227, C>T. VCF-style: chr1-39388227-C-T. GRCh37 (hg19) VCF-style: chr1-39853899-C-T.
Other names: c.9199C>T, p.Arg3067Ter (NM_012090.5); short protein forms R3067*, R5129*.
Identifiers: ClinVar variation 1312403 (VCV001312403.2), dbSNP rs1641876624, ClinGen allele CA339745268.
Genomic context (GRCh38, chr1:39,388,227, plus strand): 5'-AGTGGTTGTGTGATGATGGAAAACAAGCTGGAGGGGATTGGCCAGTTTCACTGCCGGGTC[C>T]GAGAGATGTTCTCTCAATTGGCAGACCTGGATGATGAGCTAGATGGCATGGGTGCTATTG-3'